The following is an entry in ClinVar:

ClinVar aggregate classification (germline): Likely pathogenic. Review status: criteria provided, multiple submitters, no conflicts (2 of 4 stars). 3 submissions from 3 submitters: Likely pathogenic (3). Last evaluated 2024-06-10.

Conditions:
Sulfite oxidase deficiency due to molybdenum cofactor deficiency type A. Also called: Molybdenum cofactor deficiency, complementation group A; Molybdenum Cofactor Deficiency A. Identifiers: Orphanet 308386, Orphanet 833, MedGen C1854988, MONDO:0009643, OMIM 252150.

Allele frequency attached by ClinVar (database versions not stated): TOPMed below 0.00001; gnomAD exomes 0.00001; ExAC 0.00002.

Submissions (3):

Labcorp Genetics (formerly Invitae), Labcorp
Classification: Likely pathogenic for Sulfite oxidase deficiency due to molybdenum cofactor deficiency type A. Last evaluated: 2024-06-10. Review status: criteria provided, single submitter. Criteria: Invitae Variant Classification Sherloc (09022015). Collection method: clinical testing. Allele origin: germline.
Comment: This sequence change affects a donor splice site in intron 8 of the MOCS1 gene. It is expected to disrupt RNA splicing. Variants that disrupt the donor or acceptor splice site typically lead to a loss of protein function (PMID: 16199547), and loss-of-function variants in MOCS1 are known to be pathogenic (PMID: 12754701, 16021469). This variant is present in population databases (rs759311241, gnomAD 0.004%). This variant has not been reported in the literature in individuals affected with MOCS1-related conditions. ClinVar contains an entry for this variant (Variation ID: 1066519). Algorithms developed to predict the effect of sequence changes on RNA splicing suggest that this variant may disrupt the consensus splice site. In summary, the currently available evidence indicates that the variant is pathogenic, but additional data are needed to prove that conclusively. Therefore, this variant has been classified as Likely Pathogenic.

Fulgent Genetics
Classification: Likely pathogenic for Sulfite oxidase deficiency due to molybdenum cofactor deficiency type A. Last evaluated: 2024-02-12. Review status: criteria provided, single submitter. Criteria: ACMG Guidelines, 2015. Collection method: clinical testing. Allele origin: germline.

Baylor Genetics
Classification: Likely pathogenic for Sulfite oxidase deficiency due to molybdenum cofactor deficiency type A. Last evaluated: 2023-04-11. Review status: criteria provided, single submitter. Criteria: ACMG Guidelines, 2015. Collection method: clinical testing. Allele origin: unknown.

Literature cited by the submitters: PubMed 16199547 (cited by Labcorp Genetics (formerly Invitae), Labcorp); PubMed 12754701 (cited by Labcorp Genetics (formerly Invitae), Labcorp); PubMed 16021469 (cited by Labcorp Genetics (formerly Invitae), Labcorp).

NM_001358530.2(MOCS1):c.981+1G>A

Gene: MOCS1 (molybdenum cofactor synthesis 1; minus strand). Cytogenetic location: 6p21.2.
Variant type: single nucleotide variant.
Coding change: c.981+1G>A on transcript NM_001358530.2 (MANE Select); the canonical splice donor site of the intron after coding-DNA position 981, G replaced by A.
Molecular consequence: splice donor variant.
Genome position (GRCh38, 1-based): chr6:39,912,263, C>T on the plus strand (G>A on the coding strand, the complement: MOCS1 is on the minus strand). VCF-style: chr6-39912263-C-T. GRCh37 (hg19) VCF-style: chr6-39880007-C-T.
Other names: c.720+1G>A (NM_001358531.2, NM_001358533.2, NM_001358534.2); c.981+1G>A (NM_001358529.2, NM_001075098.4, NM_005943.6 and 1 more transcripts).
Identifiers: ClinVar variation 1066519 (VCV001066519.9), dbSNP rs759311241, ClinGen allele CA3796101.